The following is an entry in ClinVar:

Conditions:
Breast-ovarian cancer, familial, susceptibility to, 1 (BROVCA1). Also called: BRCA1 Hereditary Breast and Ovarian Cancer; OVARIAN CANCER, SUSCEPTIBILITY TO. Identifiers: Orphanet 145, MedGen C2676676, MONDO:0011450, OMIM 604370. Disease mechanism: loss of function.

Submission:

Brotman Baty Institute, University of Washington
No classification provided (evidence only). Condition: Breast-ovarian cancer, familial 1. Review status: no classification provided. Collection method: in vitro. Allele origin: not applicable. Functional consequence: functionally_normal.
ClinVar note: "not provided" was previously submitted as the classification for the variant. However, the classification appeared to be based only on an observation of functional data so it was converted to no classification on 2025-07-30.

NM_007294.4(BRCA1):c.5416C>A (p.Pro1806Thr)

Gene: BRCA1 (BRCA1 DNA repair associated; minus strand). Cytogenetic location: 17q21.31.
Variant type: single nucleotide variant.
Coding change: c.5416C>A on transcript NM_007294.4 (MANE Select); coding-DNA position 5416, C replaced by A.
Protein change: p.Pro1806Thr; replaces proline 1806 with threonine.
Molecular consequence: missense variant. On other transcripts: non-coding transcript variant (1).
Genome position (GRCh38, 1-based): chr17:43,047,694, G>T on the plus strand (C>A on the coding strand, the complement: BRCA1 is on the minus strand). VCF-style: chr17-43047694-G-T. GRCh37 (hg19) VCF-style: chr17-41199711-G-T.
Other names: c.5203C>A, p.Pro1735Thr (NM_001407571.1, NM_001407907.1, NM_001407908.1 and 12 more transcripts); c.5482C>A, p.Pro1828Thr (NM_001407581.1, NM_001407582.1); c.5479C>A, p.Pro1827Thr (NM_001407583.1, NM_001407585.1, NM_001407587.1 and 1 more transcripts); c.5476C>A, p.Pro1826Thr (NM_001407590.1, NM_001407591.1); c.5416C>A, p.Pro1806Thr (NM_001407593.1, NM_001407594.1, NM_001407596.1 and 5 more transcripts); c.5413C>A, p.Pro1805Thr (NM_001407614.1, NM_001407615.1, NM_001407616.1 and 14 more transcripts); c.5410C>A, p.Pro1804Thr (NM_001407633.1, NM_001407634.1, NM_001407635.1 and 13 more transcripts); c.5338C>A, p.Pro1780Thr (NM_001407655.1, NM_001407652.1, NM_001407653.1 and 1 more transcripts); and 83 more; short protein forms P702T, P1806T, P1759T, P1827T, P677H, P1509T, P1693T, P1716T.
Identifiers: ClinVar variation 868077 (VCV000868077.3), dbSNP rs80357241, ClinGen allele CA10590626.